The following is an entry in ClinVar:

NM_001353345.2(SETD1B):c.2069T>C (p.Leu690Pro)

Gene: SETD1B (SET domain containing 1B, histone lysine methyltransferase; plus strand). Cytogenetic location: 12q24.31.
Variant type: single nucleotide variant.
Coding change: c.2069T>C on transcript NM_001353345.2 (MANE Select); coding-DNA position 2069, T replaced by C.
Protein change: p.Leu690Pro; replaces leucine 690 with proline.
Molecular consequence: missense variant.
Genome position (GRCh38, 1-based): chr12:121,814,284, T>C. VCF-style: chr12-121814284-T-C. GRCh37 (hg19) VCF-style: chr12-122252190-T-C.
Other names: NM_015048.1:c.2069T>C; short protein forms L690P.
Identifiers: ClinVar variation 4998140 (VCV004998140.1).

ClinVar aggregate classification (germline): Uncertain significance (1 of 4 stars; one submission).

Conditions:
SETD1B-related disorder. Also called: SETD1B-related condition.

Submission:

PreventionGenetics, part of Exact Sciences
Classification: Uncertain significance for SETD1B-related condition. Last evaluated: 2024-11-01. Review status: criteria provided, single submitter. Criteria: ACMG Guidelines, 2015. Collection method: clinical testing. Allele origin: germline.
Comment: The SETD1B c.2069T>C variant is predicted to result in the amino acid substitution p.Leu690Pro. To our knowledge, this variant has not been reported in the literature or in a large population database (gnomAD), indicating this variant is rare. At this time, the clinical significance of this variant is uncertain due to the absence of conclusive functional and genetic evidence.